The following is an entry in ClinVar:

ClinVar aggregate classification (germline): Uncertain significance. Review status: criteria provided, multiple submitters, no conflicts (2 of 4 stars). 2 submissions from 2 submitters: Uncertain significance (2). Last evaluated 2026-06-08.

Conditions:
Cardiovascular phenotype. Identifiers: MedGen CN230736.
Hereditary cancer-predisposing syndrome. Also called: Tumor predisposition; Hereditary Cancer Syndrome; Neoplastic Syndromes, Hereditary; Hereditary neoplastic syndrome. Identifiers: Orphanet 140162, MedGen C0027672, MeSH D009386, MONDO:0015356.

Submissions (2):

Ambry Genetics
Classification: Uncertain significance for Cardiovascular phenotype; Hereditary cancer-predisposing syndrome. Last evaluated: 2026-06-08. Review status: criteria provided, single submitter. Criteria: Ambry Variant Classification Scheme 2023. Collection method: clinical testing. Allele origin: germline.
Comment: The p.S1843T variant (also known as c.5528G>C), located in coding exon 37 of the NF1 gene, results from a G to C substitution at nucleotide position 5528. The serine at codon 1843 is replaced by threonine, an amino acid with similar properties. This amino acid position is conserved. In addition, the in silico prediction for this alteration is inconclusive. Based on the available evidence, the clinical significance of this variant remains unclear.

GeneDx
Classification: Uncertain significance. Last evaluated: 2022-04-19. Review status: criteria provided, single submitter. Criteria: GeneDx Variant Classification Process June 2021. Collection method: clinical testing. Allele origin: germline. Affected: yes.
Comment: Not observed at significant frequency in large population cohorts (gnomAD); In silico analysis supports that this missense variant does not alter protein structure/function; Has not been previously published as pathogenic or benign to our knowledge

NM_001042492.3(NF1):c.5591G>C (p.Ser1864Thr)

Gene: NF1 (neurofibromin 1; plus strand). Cytogenetic location: 17q11.2.
Variant type: single nucleotide variant.
Coding change: c.5591G>C on transcript NM_001042492.3 (MANE Select); coding-DNA position 5591, G replaced by C.
Protein change: p.Ser1864Thr; replaces serine 1864 with threonine.
Molecular consequence: missense variant.
Genome position (GRCh38, 1-based): chr17:31,327,821, G>C. VCF-style: chr17-31327821-G-C. GRCh37 (hg19) VCF-style: chr17-29654839-G-C.
Other names: c.5528G>C, p.Ser1843Thr (NM_000267.4); short protein forms S1843T, S1864T.
Identifiers: ClinVar variation 561663 (VCV000561663.4), dbSNP rs1567612716, ClinGen allele CA399010037.